The following is an entry in ClinVar:

ClinVar aggregate classification (germline): Uncertain significance (1 of 4 stars; one submission).

Submission:

Labcorp Genetics (formerly Invitae), Labcorp
Classification: Uncertain significance. Last evaluated: 2022-09-19. Review status: criteria provided, single submitter. Criteria: Invitae Variant Classification Sherloc (09022015). Collection method: clinical testing. Allele origin: germline.
Comment: In summary, the available evidence is currently insufficient to determine the role of this variant in disease. Therefore, it has been classified as a Variant of Uncertain Significance. Variants that disrupt the consensus splice site are a relatively common cause of aberrant splicing (PMID: 17576681, 9536098). Algorithms developed to predict the effect of sequence changes on RNA splicing suggest that this variant may disrupt the consensus splice site. This variant has not been reported in the literature in individuals affected with DUOX2-related conditions. This variant is not present in population databases (gnomAD no frequency). This sequence change falls in intron 17 of the DUOX2 gene. It does not directly change the encoded amino acid sequence of the DUOX2 protein. It affects a nucleotide within the consensus splice site.

Literature cited by the submitters: PubMed 17576681; PubMed 9536098.

NM_001363711.2(DUOX2):c.2148+5G>C

Gene: DUOX2 (dual oxidase 2; minus strand). Cytogenetic location: 15q21.1.
Variant type: single nucleotide variant.
Coding change: c.2148+5G>C on transcript NM_001363711.2 (MANE Select); 5 bases into the intron after coding-DNA position 2148, G replaced by C.
Molecular consequence: intron variant.
Genome position (GRCh38, 1-based): chr15:45,106,120, C>G on the plus strand (G>C on the coding strand, the complement: DUOX2 is on the minus strand). VCF-style: chr15-45106120-C-G. GRCh37 (hg19) VCF-style: chr15-45398318-C-G.
Other names: c.2148+5G>C (NM_014080.5).
Identifiers: ClinVar variation 2053408 (VCV002053408.4), dbSNP rs878865550, ClinGen allele CA2580089498.
Genomic context (GRCh38, chr15:45,106,120, plus strand): 5'-GCCTCGCTTGTGATAATGGAGTCGTGTGAGGGCAGCCCAGGCTGGGGAGGCAGGACGAGC[C>G]ATACCAGGTCATACTCCTTAGGGATCTTGAGCAGCAGGGTGCGGCATCCTCGGTTGTTGG-3'